The following is an entry in ClinVar:

ClinVar aggregate classification (germline): Likely pathogenic (1 of 4 stars; one submission).

Conditions:
Hematuria. Identifiers: MedGen C0018965, HP:0000790.

Submission:

Genetics Laboratory, Great Ormond Street Hospital NHS Foundation Trust, North Thames Genomic Laboratory Hub
Classification: Likely pathogenic for Haematuria. Last evaluated: 2026-07-09. Review status: criteria provided, single submitter. Criteria: ACGS Best Practice Guidelines for Variant Classification in Rare Disease 2024 v1.2. Collection method: clinical testing. Allele origin: germline. Affected: yes.
Comment: PS4_supporting, PM2_moderate, PP3_supporting, PM1_moderate

NM_033380.3(COL4A5):c.4786T>G (p.Trp1596Gly)

Gene: COL4A5 (collagen type IV alpha 5 chain; plus strand). Cytogenetic location: Xq22.3.
Variant type: single nucleotide variant.
Coding change: c.4786T>G on transcript NM_033380.3 (MANE Select); coding-DNA position 4786, T replaced by G.
Protein change: p.Trp1596Gly; replaces tryptophan 1596 with glycine.
Molecular consequence: missense variant.
Genome position (GRCh38, 1-based): chrX:108,694,886, T>G. VCF-style: chrX-108694886-T-G. GRCh37 (hg19) VCF-style: chrX-107938116-T-G.
Other names: c.4768T>G, p.Trp1590Gly (NM_000495.5); short protein forms W1590G, W1596G.
Identifiers: ClinVar variation 4888000 (VCV004888000.1), dbSNP rs104886296.